The following is an entry in ClinVar:

NM_020433.5(JPH2):c.902C>T (p.Ser301Leu)

Gene: JPH2 (junctophilin 2; minus strand). Cytogenetic location: 20q13.12.
Variant type: single nucleotide variant.
Coding change: c.902C>T on transcript NM_020433.5 (MANE Select); coding-DNA position 902, C replaced by T.
Protein change: p.Ser301Leu; replaces serine 301 with leucine.
Molecular consequence: missense variant.
Genome position (GRCh38, 1-based): chr20:44,159,885, G>A on the plus strand (C>T on the coding strand, the complement: JPH2 is on the minus strand). VCF-style: chr20-44159885-G-A. GRCh37 (hg19) VCF-style: chr20-42788525-G-A.
Other names: short protein forms S301L.
Identifiers: ClinVar variation 2881827 (VCV002881827.3), dbSNP rs1475520393, ClinGen allele CA409093421.
Genomic context (GRCh38, chr20:44,159,885, plus strand): 5'-TTGTCCAGCCACTCGCCCTCGTAGCGGAGGCCACTGGAGCGTTCGCTCACGCCGAAGCCC[G>A]AGCGTTTGTCGTTCTTCCACTCGCCCATGTAGGTCTCGGTGGTGGTGGCGTCGATATCGG-3'
Protein context (NP_065166.2, residues 291-311): YMGEWKNDKR[Ser301Leu]GFGVSERSSG

ClinVar aggregate classification (germline): Uncertain significance (1 of 4 stars; one submission).

Conditions:
Hypertrophic cardiomyopathy. Also called: HYPERTROPHIC MYOCARDIOPATHY. Identifiers: Orphanet 217569, MedGen C0007194, MeSH D002312, MONDO:0005045, HP:0001639.

Allele frequency attached by ClinVar (database versions not stated): gnomAD exomes below 0.00001.
gnomAD v4.1: 2 of 1,613,304 alleles (0.00012%); highest among the groups gnomAD compares: Non-Finnish European, 0.000085%; no homozygotes.

Submission:

Labcorp Genetics (formerly Invitae), Labcorp
Classification: Uncertain significance for Hypertrophic cardiomyopathy. Last evaluated: 2023-04-18. Review status: criteria provided, single submitter. Criteria: Invitae Variant Classification Sherloc (09022015). Collection method: clinical testing. Allele origin: germline.
Comment: In summary, the available evidence is currently insufficient to determine the role of this variant in disease. Therefore, it has been classified as a Variant of Uncertain Significance. An algorithm developed to predict the effect of missense changes on protein structure and function (PolyPhen-2) suggests that this variant is likely to be disruptive. This variant has not been reported in the literature in individuals affected with JPH2-related conditions. This variant is not present in population databases (gnomAD no frequency). This sequence change replaces serine, which is neutral and polar, with leucine, which is neutral and non-polar, at codon 301 of the JPH2 protein (p.Ser301Leu).